The following is an entry in ClinVar:

ClinVar aggregate classification (germline): Pathogenic (1 of 4 stars; one submission).

Conditions:
Cornelia de Lange syndrome 1 (CDLS1). Also called: NIPBL-Related Cornelia de Lange Syndrome; TYPUS DEGENERATIVUS AMSTELODAMENSIS; Brachmann de Lange syndrome. Identifiers: Orphanet 199, MedGen C4551851, MONDO:0007387, OMIM 122470.

Submission:

Cancer Genome Medicine Section, Ehime Prefectural Central Hospital
Classification: Pathogenic for Cornelia de Lange syndrome 1. Last evaluated: 2025-09-18. Review status: criteria provided, single submitter. Criteria: ACMG Guidelines, 2015. Collection method: provider interpretation. Allele origin: germline. Inheritance: Autosomal dominant inheritance. Affected: yes. Observed: 1 variant allele, 1 heterozygote.
Comment: The NIPBL c.2167G>T (p.Glu723Ter) variant has not been previously reported in the literature or major population databases. This nonsense variant introduces a premature termination codon at amino acid position 723 and is predicted to cause loss of function. Based on the ACMG/AMP guidelines, this variant was classified as pathogenic (PVS1, PM2, PM6, and PP4).

NM_133433.4(NIPBL):c.2167G>T (p.Glu723Ter)

Gene: NIPBL (NIPBL cohesin loading factor; plus strand). Cytogenetic location: 5p13.2.
Variant type: single nucleotide variant.
Coding change: c.2167G>T on transcript NM_133433.4 (MANE Select); coding-DNA position 2167, G replaced by T.
Protein change: p.Glu723Ter; replaces glutamic acid 723 with a stop codon.
Molecular consequence: nonsense.
Genome position (GRCh38, 1-based): chr5:36,985,347, G>T. VCF-style: chr5-36985347-G-T. GRCh37 (hg19) VCF-style: chr5-36985449-G-T.
Other names: c.2167G>T, p.Glu723Ter (NM_001438586.1, NM_015384.5); short protein forms E723*.
Identifiers: ClinVar variation 5043316 (VCV005043316.1).
Genomic context (GRCh38, chr5:36,985,347, plus strand): 5'-CCAAAGCAAAAGGGTGAAAGCCGGCCTGAGACTCCAAAACAAAAGAGTGATGGGCATCCT[G>T]AAACCCCAAAACAGAAGGGTGATGGAAGGCCTGAAACTCCAAAGCAAAAAGGTGAGAGCC-3'